The following is an entry in ClinVar:

ClinVar aggregate classification (germline): Uncertain significance (1 of 4 stars; one submission).

Allele frequency attached by ClinVar (database versions not stated): gnomAD 0.00001; TOPMed 0.00001.
gnomAD v4.1: 2 of 1,613,924 alleles (0.00012%); highest among the groups gnomAD compares: Non-Finnish European, 0.00017%; no homozygotes.

Submission:

Labcorp Genetics (formerly Invitae), Labcorp
Classification: Uncertain significance. Last evaluated: 2022-08-10. Review status: criteria provided, single submitter. Criteria: Invitae Variant Classification Sherloc (09022015). Collection method: clinical testing. Allele origin: germline.
Comment: In summary, the available evidence is currently insufficient to determine the role of this variant in disease. Therefore, it has been classified as a Variant of Uncertain Significance. Algorithms developed to predict the effect of missense changes on protein structure and function are either unavailable or do not agree on the potential impact of this missense change (SIFT: "Tolerated"; PolyPhen-2: "Not Available"; Align-GVGD: "Class C0"). ClinVar contains an entry for this variant (Variation ID: 1510580). This variant has not been reported in the literature in individuals affected with RIN2-related conditions. This variant is not present in population databases (gnomAD no frequency). This sequence change replaces leucine, which is neutral and non-polar, with phenylalanine, which is neutral and non-polar, at codon 284 of the RIN2 protein (p.Leu284Phe).

NM_018993.4(RIN2):c.850C>T (p.Leu284Phe)

Gene: RIN2 (Ras and Rab interactor 2; plus strand). Cytogenetic location: 20p11.23.
Variant type: single nucleotide variant.
Coding change: c.850C>T on transcript NM_018993.4 (MANE Select); coding-DNA position 850, C replaced by T.
Protein change: p.Leu284Phe; replaces leucine 284 with phenylalanine.
Molecular consequence: missense variant.
Genome position (GRCh38, 1-based): chr20:19,974,875, C>T. VCF-style: chr20-19974875-C-T. GRCh37 (hg19) VCF-style: chr20-19955519-C-T.
Other names: c.997C>T, p.Leu333Phe (NM_001242581.2); c.232C>T, p.Leu78Phe (NM_001378238.1); short protein forms L78F, L333F, L284F.
Identifiers: ClinVar variation 1510580 (VCV001510580.4), dbSNP rs1555805211, ClinGen allele CA408361108.